The following is an entry in ClinVar:

NM_194255.4(SLC19A1):c.20C>T (p.Ala7Val)

Gene: SLC19A1 (solute carrier family 19 member 1; minus strand). Cytogenetic location: 21q22.3.
Variant type: single nucleotide variant.
Coding change: c.20C>T on transcript NM_194255.4 (MANE Select); coding-DNA position 20, C replaced by T.
Protein change: p.Ala7Val; replaces alanine 7 with valine.
Molecular consequence: missense variant. On other transcripts: 5 prime UTR variant (1).
Genome position (GRCh38, 1-based): chr21:45,537,940, G>A on the plus strand (C>T on the coding strand, the complement: SLC19A1 is on the minus strand). VCF-style: chr21-45537940-G-A. GRCh37 (hg19) VCF-style: chr21-46957854-G-A.
Other names: c.20C>T, p.Ala7Val (NM_001205206.4, NM_001352511.3, NM_001352512.2); c.-339C>T (NM_001352510.2); short protein forms A7V.
Identifiers: ClinVar variation 1954571 (VCV001954571.5), dbSNP rs781242771, ClinGen allele CA10068762.

ClinVar aggregate classification (germline): Uncertain significance (1 of 4 stars; one submission).

Allele frequency attached by ClinVar (database versions not stated): ExAC 0.00002; gnomAD 0.00002; TOPMed 0.00001.
gnomAD v4.1: 17 of 1,578,174 alleles (0.0011%); highest among the groups gnomAD compares: Admixed American, 0.0018%; no homozygotes.

Submission:

Labcorp Genetics (formerly Invitae), Labcorp
Classification: Uncertain significance. Last evaluated: 2025-09-08. Review status: criteria provided, single submitter. Criteria: Invitae Variant Classification Sherloc (09022015). Collection method: clinical testing. Allele origin: germline.
Comment: This sequence change replaces alanine, which is neutral and non-polar, with valine, which is neutral and non-polar, at codon 7 of the SLC19A1 protein (p.Ala7Val). The frequency data for this variant in the population databases is considered unreliable, as metrics indicate poor data quality at this position in the gnomAD database. This variant has not been reported in the literature in individuals affected with SLC19A1-related conditions. ClinVar contains an entry for this variant (Variation ID: 1954571). An algorithm developed to predict the effect of missense changes on protein structure and function outputs the following: PolyPhen-2: "Benign". The valine amino acid residue is found in multiple mammalian species, which suggests that this missense change does not adversely affect protein function. In summary, the available evidence is currently insufficient to determine the role of this variant in disease. Therefore, it has been classified as a Variant of Uncertain Significance.